The following is an entry in ClinVar:

NM_002474.3(MYH11):c.2412-9C>T

Gene: MYH11 (myosin heavy chain 11; minus strand). Cytogenetic location: 16p13.11.
Variant type: single nucleotide variant.
Coding change: c.2412-9C>T on transcript NM_002474.3 (MANE Select); 9 bases into the intron before coding-DNA position 2412, C replaced by T.
Molecular consequence: intron variant.
Genome position (GRCh38, 1-based): chr16:15,745,246, G>A on the plus strand (C>T on the coding strand, the complement: MYH11 is on the minus strand). VCF-style: chr16-15745246-G-A. GRCh37 (hg19) VCF-style: chr16-15839103-G-A.
Other names: c.2412-9C>T (NM_022844.3); c.2433-9C>T (NM_001040114.2, NM_001040113.2).
Identifiers: ClinVar variation 1331760 (VCV001331760.11), dbSNP rs148682361, ClinGen allele CA7922275.
Genomic context (GRCh38, chr16:15,745,246, plus strand): 5'-CCTCTGAATCACCTTCATGGCGGTCAGCTGCTGCTGCCTCTTGGCAAAAGCCCTAGGGAG[G>A]GGGGAAGAGAAGGTGCGGGGGTCATGAAGCCACACCCTGCTGTCAACAGAGCCCTGCCCT-3'

ClinVar aggregate classification (germline): Likely benign. Review status: criteria provided, multiple submitters, no conflicts (2 of 4 stars). 3 submissions from 3 submitters: Likely benign (3). Last evaluated 2024-07-06.

Conditions:
Aortic aneurysm, familial thoracic 4 (AAT4). Also called: AORTIC ANEURYSM/AORTIC DISSECTION AND PATENT DUCTUS ARTERIOSUS. Identifiers: MedGen C1851504, MONDO:0007568, OMIM 132900.
Familial thoracic aortic aneurysm and aortic dissection (TAAD). Also called: Thoracic aortic aneurysms and dissections. Identifiers: Orphanet 91387, MedGen C4707243, MONDO:0019625.

gnomAD v4.1: 5 of 1,610,530 alleles (0.00031%); highest among the groups gnomAD compares: East Asian, 0.0022%; no homozygotes.

Submissions (3):

Labcorp Genetics (formerly Invitae), Labcorp
Classification: Likely benign for Aortic aneurysm, familial thoracic 4. Last evaluated: 2024-07-06. Review status: criteria provided, single submitter. Criteria: Invitae Variant Classification Sherloc (09022015). Collection method: clinical testing. Allele origin: germline.

All of Us Research Program, National Institutes of Health
Classification: Likely benign for Familial thoracic aortic aneurysm and aortic dissection. Last evaluated: 2024-05-09. Review status: criteria provided, single submitter. Criteria: ACMG Guidelines, 2015. Collection method: clinical testing. Allele origin: germline. Inheritance: Autosomal dominant inheritance. Observed: 2 variant alleles, 2 heterozygotes.
Comment: This study involves interpretation of variants in research participants for the purpose of population health screening. Participant phenotype was not available at the time of variant classification. Additional details can be found in publication PMID: 35346344, PMCID: PMC8962531

Color Diagnostics, LLC DBA Color Health
Classification: Likely benign for Familial thoracic aortic aneurysm and aortic dissection. Last evaluated: 2021-06-22. Review status: criteria provided, single submitter. Criteria: ACMG Guidelines, 2015. Collection method: clinical testing. Allele origin: germline.